The following is an entry in ClinVar:

NM_017780.4(CHD7):c.3656G>C (p.Arg1219Pro)

Gene: CHD7 (chromodomain helicase DNA binding protein 7; plus strand). Cytogenetic location: 8q12.2.
Variant type: single nucleotide variant.
Coding change: c.3656G>C on transcript NM_017780.4 (MANE Select); coding-DNA position 3656, G replaced by C.
Protein change: p.Arg1219Pro; replaces arginine 1219 with proline.
Molecular consequence: missense variant. On other transcripts: intron variant (1).
Genome position (GRCh38, 1-based): chr8:60,830,455, G>C. VCF-style: chr8-60830455-G-C. GRCh37 (hg19) VCF-style: chr8-61743014-G-C.
Other names: c.1717-31774G>C (NM_001316690.1); short protein forms R1219P.
Identifiers: ClinVar variation 4995635 (VCV004995635.1).

ClinVar aggregate classification (germline): Uncertain significance (1 of 4 stars; one submission).

Conditions:
CHD7-related disorder. Also called: CHD7-related condition.

Submission:

PreventionGenetics, part of Exact Sciences
Classification: Uncertain significance for CHD7-related condition. Last evaluated: 2026-06-27. Review status: criteria provided, single submitter. Criteria: ACMG Guidelines, 2015. Collection method: clinical testing. Allele origin: germline.
Comment: The CHD7 c.3656G>C variant is predicted to result in the amino acid substitution p.Arg1219Pro. To our knowledge, this variant has not been reported in the literature or in a large population database (gnomAD), indicating this variant is rare. At this time, the clinical significance of this variant is uncertain due to the absence of conclusive functional and genetic evidence.